The following is an entry in ClinVar:

NM_201253.3(CRB1):c.3704del (p.Gly1235fs)

Gene: CRB1 (crumbs cell polarity complex component 1; plus strand). Cytogenetic location: 1q31.3.
Variant type: Deletion.
Coding change: c.3704del on transcript NM_201253.3 (MANE Select); coding-DNA position 3704, one base deleted (G; older notation c.3704delG).
Protein change: p.Gly1235fs; shifts the reading frame from glycine 1235.
Molecular consequence: frameshift variant. On other transcripts: non-coding transcript variant (2), intron variant (1).
Genome position (GRCh38, 1-based): chr1:197,435,567, G deleted; the last of 2 consecutive G bases (chr1:197,435,566-197,435,567); deleting either gives the same sequence. VCF-style (leftmost placement, unchanged base first): chr1-197435565-TG-T. GRCh37 (hg19) VCF-style: chr1-197404695-TG-T.
Other names: c.3703del (NM_201253.3); c.3368del, p.Gly1123fs (NM_001193640.2); c.3632del, p.Gly1211fs (NM_001257965.2); c.2129-33del (NM_001257966.2); short protein forms G1123fs, G1211fs, G1235fs.
Identifiers: ClinVar variation 4884407 (VCV004884407.1).

ClinVar aggregate classification (germline): Likely pathogenic (1 of 4 stars; one submission).

Conditions:
CRB1-related retinopathies.

Submission:

Division of Genetic & Genomic Pathology, Hong Kong Children's Hospital
Classification: Likely pathogenic for CRB1-related retinopathies. Last evaluated: 2024-09-25. Review status: criteria provided, single submitter. Criteria: ACMG Guidelines, 2015. Collection method: clinical testing. Allele origin: germline. Affected: yes.
Comment: CRB1 c.3703del p.(Gly1235AlafsTer47) is a 1-bp deletion variant located in exon 9 (out of 12 exons). It is predicted to create a premature stop codon targeted by nonsense mediated decay. This variant is absent in population controls (gnomAD v4.1.0) and is not reported in ClinVar or HGMD Professional (v2024.2). For these reasons, this variant is classified as likely pathogenic. This variant is in trans with another out-of-frame deletion variant.